The following is an entry in ClinVar:

ClinVar aggregate classification (germline): Uncertain significance (1 of 4 stars; one submission).

Allele frequency attached by ClinVar (database versions not stated): gnomAD exomes below 0.00001.
gnomAD v4.1: 2 of 1,614,182 alleles (0.00012%); highest among the groups gnomAD compares: South Asian, 0.0011%; no homozygotes.

Submission:

GeneDx
Classification: Uncertain significance. Last evaluated: 2022-02-28. Review status: criteria provided, single submitter. Criteria: GeneDx Variant Classification Process June 2021. Collection method: clinical testing. Allele origin: germline. Affected: yes.
Comment: Not observed at significant frequency in large population cohorts (gnomAD); In silico analysis supports that this missense variant does not alter protein structure/function; Has not been previously published as pathogenic or benign to our knowledge

NM_001040716.2(PC):c.3061A>G (p.Lys1021Glu)

Gene: PC (pyruvate carboxylase; minus strand). Cytogenetic location: 11q13.2.
Variant type: single nucleotide variant.
Coding change: c.3061A>G on transcript NM_001040716.2 (MANE Select); coding-DNA position 3061, A replaced by G.
Protein change: p.Lys1021Glu; replaces lysine 1021 with glutamic acid.
Molecular consequence: missense variant.
Genome position (GRCh38, 1-based): chr11:66,849,697, T>C on the plus strand (A>G on the coding strand, the complement: PC is on the minus strand). VCF-style: chr11-66849697-T-C. GRCh37 (hg19) VCF-style: chr11-66617168-T-C.
Other names: c.3061A>G, p.Lys1021Glu (NM_000920.4, NM_022172.3); short protein forms K1021E.
Identifiers: ClinVar variation 1704101 (VCV001704101.2), dbSNP rs2495402614, ClinGen allele CA381491154.